The following is an entry in ClinVar:

ClinVar aggregate classification (germline): Benign. Review status: criteria provided, multiple submitters, no conflicts (2 of 4 stars). 2 submissions from 2 submitters: Benign (2). Last evaluated 2019-04-19.

Allele frequency attached by ClinVar (database versions not stated): ESP Exome Variant Server 0.13447; 1000 Genomes Project 30x 0.14085; 1000 Genomes Project 0.14177; gnomAD exomes 0.17296 and 0.17484; ExAC 0.21814.
gnomAD v4.1: 265,590 of 1,548,950 alleles (17%); highest among the groups gnomAD compares: Admixed American, 22%; 23,747 homozygotes.

Submissions (6):

GeneDx
Classification: Benign. Last evaluated: 2019-04-19. Review status: criteria provided, single submitter. Criteria: GeneDx Variant Classification Process June 2021. Collection method: clinical testing. Allele origin: germline. Affected: yes.
Comment: This variant is associated with the following publications: (PMID: 30389748)

Breakthrough Genomics
Classification: Benign. Review status: criteria provided, single submitter. Criteria: ACMG Guidelines, 2015. Collection method: not provided. Allele origin: germline. Inheritance: Unknown mechanism. Affected: yes.

Dr. Peter K. Rogan Lab, Western University
No classification provided (evidence only). Condition: Melanoma. Review status: no classification provided. Collection method: in vitro. Allele origin: not applicable. Functional consequence: retained intron. Not counted in ClinVar's aggregate classification.

Dr. Peter K. Rogan Lab, Western University
No classification provided (evidence only). Condition: Thyroid cancer, nonmedullary, 1. Review status: no classification provided. Collection method: in vitro. Allele origin: not applicable. Functional consequence: retained intron. Not counted in ClinVar's aggregate classification.

Dr. Peter K. Rogan Lab, Western University
No classification provided (evidence only). Condition: Thyroid cancer, nonmedullary, 1. Review status: no classification provided. Collection method: in vitro. Allele origin: not applicable. Functional consequence: retained intron. Not counted in ClinVar's aggregate classification.

Dr. Peter K. Rogan Lab, Western University
No classification provided (evidence only). Condition: Uterine carcinosarcoma. Review status: no classification provided. Collection method: in vitro. Allele origin: not applicable. Functional consequence: retained intron. Not counted in ClinVar's aggregate classification.

NM_003415.3(ZNF268):c.2037G>T (p.Leu679Phe)

Gene: ZNF268 (zinc finger protein 268; plus strand). Cytogenetic location: 12q24.33.
Variant type: single nucleotide variant.
Coding change: c.2037G>T on transcript NM_003415.3 (MANE Select); coding-DNA position 2037, G replaced by T.
Protein change: p.Leu679Phe; replaces leucine 679 with phenylalanine.
Molecular consequence: missense variant. On other transcripts: 3 prime UTR variant (6).
Genome position (GRCh38, 1-based): chr12:133,203,723, G>T. VCF-style: chr12-133203723-G-T. GRCh37 (hg19) VCF-style: chr12-133780309-G-T.
Other names: NC_000012.11:g.133780309G>T; c.2037G>T, p.Leu679Phe (NM_001165881.3); c.1788G>T, p.Leu596Phe (NM_001165882.3); c.*1406G>T (NM_001165883.2, NM_001165884.3, NM_001165885.2 and 1 more transcripts); c.*1561G>T (NM_001165887.2, NM_152943.3); short protein forms L596F, L679F.
Identifiers: ClinVar variation 1288072 (VCV001288072.3), dbSNP rs36127550, ClinGen allele CA6899700.